The following is an entry in ClinVar:

NM_000548.5(TSC2):c.4569+7G>A

Gene: TSC2 (TSC complex subunit 2; plus strand). Cytogenetic location: 16p13.3.
Variant type: single nucleotide variant.
Coding change: c.4569+7G>A on transcript NM_000548.5 (MANE Select); 7 bases into the intron after coding-DNA position 4569, G replaced by A.
Molecular consequence: intron variant.
Genome position (GRCh38, 1-based): chr16:2,085,033, G>A. VCF-style: chr16-2085033-G-A. GRCh37 (hg19) VCF-style: chr16-2135034-G-A.
Other names: c.4500+7G>A (NM_001114382.3); c.4440+7G>A (NM_021055.3, NM_001370405.1); c.4371+7G>A (NM_001363528.2); c.4437+7G>A (NM_001370404.1); c.4368+7G>A (NM_001077183.3); c.4260+7G>A (NM_001318827.2); c.3837+7G>A (NM_001318831.2); c.4224+7G>A (NM_001318829.2); and 1 more.
Identifiers: ClinVar variation 1086377 (VCV001086377.11), dbSNP rs45497598, ClinGen allele CA051685.
Genomic context (GRCh38, chr16:2,085,033, plus strand): 5'-CATTCCCCCTTCTTTGGCGACGAGTCAAACAAGCCAATCCTGCTGCCCAATGAGGTAGGC[G>A]TGGCCTCCCTCTCCTGCATCCGCTGGAGCTGTGTGGCTCGGGTGAATGGTGGGGGGCCCA-3'

ClinVar aggregate classification (germline): Likely benign. Review status: criteria provided, multiple submitters, no conflicts (2 of 4 stars). 3 submissions from 3 submitters: Likely benign (3). Last evaluated 2025-09-07.

Conditions:
Tuberous sclerosis 2 (TSC2). Identifiers: Orphanet 805, MedGen C1860707, MONDO:0013199, OMIM 613254.

Allele frequency attached by ClinVar (database versions not stated): ExAC 0.00001; gnomAD exomes 0.00001.
gnomAD v4.1: 7 of 1,613,024 alleles (0.00043%); highest among the groups gnomAD compares: East Asian, 0.0022%; no homozygotes.

Submissions (3):

Labcorp Genetics (formerly Invitae), Labcorp
Classification: Likely benign for Tuberous sclerosis 2. Last evaluated: 2025-09-07. Review status: criteria provided, single submitter. Criteria: Invitae Variant Classification Sherloc (09022015). Collection method: clinical testing. Allele origin: germline.

Myriad Genetics, Inc.
Classification: Likely benign for Tuberous sclerosis 2. Last evaluated: 2025-06-04. Review status: criteria provided, single submitter. Criteria: Myriad Autosomal Dominant, Autosomal Recessive and X-Linked Classification Criteria (2023). Collection method: clinical testing. Allele origin: unknown.
Comment: This variant is considered likely benign. This variant is intronic and is not expected to impact mRNA splicing.

Blueprint Genetics
Classification: Likely benign. Last evaluated: 2022-11-01. Review status: criteria provided, single submitter. Criteria: ACMG Guidelines, 2015. Collection method: clinical testing. Allele origin: germline.